The following is an entry in ClinVar:

ClinVar aggregate classification (germline): Likely benign (1 of 4 stars; one submission).

Submission:

CeGaT Center for Human Genetics Tuebingen
Classification: Likely benign. Last evaluated: 2022-12-01. Review status: criteria provided, single submitter. Criteria: CeGaT Center For Human Genetics Tuebingen Variant Classification Criteria Version 2. Collection method: clinical testing. Allele origin: germline. Affected: yes. Observed: 1 variant allele.
Comment: LRPPRC: BS2

NM_133259.4(LRPPRC):c.*1440_*1456dup

Gene: LRPPRC (leucine rich pentatricopeptide repeat containing; minus strand). Cytogenetic location: 2p21.
Variant type: Duplication.
Coding change: c.*1440_*1456dup on transcript NM_133259.4 (MANE Select); 1440 bases downstream of the stop codon through 1456 bases downstream of the stop codon, 17 bases duplicated (TTTTTTTTTTTTTTTTT).
Molecular consequence: 3 prime UTR variant.
Genome position (GRCh38, 1-based): chr2:43,887,144-43,887,160, AAAAAAAAAAAAAAAAA duplicated on the plus strand (TTTTTTTTTTTTTTTTT on the coding strand, the reverse complement: LRPPRC is on the minus strand); duplicating any 17 consecutive bases within chr2:43,887,144-43,887,164 gives the same sequence; the c. name uses the placement nearest the transcript's 3' end. VCF-style (leftmost placement, unchanged base first): chr2-43887143-C-CAAAAAAAAAAAAAAAAA. GRCh37 (hg19) VCF-style: chr2-44114282-C-CAAAAAAAAAAAAAAAAA.
Identifiers: ClinVar variation 2650861 (VCV002650861.24), dbSNP rs57494476, ClinGen allele CA769089894.